The following is an entry in ClinVar:

NM_004260.4(RECQL4):c.3484C>G (p.Arg1162Gly)

Gene: RECQL4 (RecQ like helicase 4; minus strand). Cytogenetic location: 8q24.3.
Variant type: single nucleotide variant.
Coding change: c.3484C>G on transcript NM_004260.4 (MANE Select); coding-DNA position 3484, C replaced by G.
Protein change: p.Arg1162Gly; replaces arginine 1162 with glycine.
Molecular consequence: missense variant.
Genome position (GRCh38, 1-based): chr8:144,511,699, G>C on the plus strand (C>G on the coding strand, the complement: RECQL4 is on the minus strand). VCF-style: chr8-144511699-G-C. GRCh37 (hg19) VCF-style: chr8-145737082-G-C.
Other names: short protein forms R1162G.
Identifiers: ClinVar variation 1365762 (VCV001365762.6), dbSNP rs773088003, ClinGen allele CA372666603.

ClinVar aggregate classification (germline): Uncertain significance (1 of 4 stars; one submission).

Conditions:
Baller-Gerold syndrome (BGS). Also called: CRANIOSYNOSTOSIS WITH RADIAL DEFECTS. Identifiers: Orphanet 1225, MedGen C0265308, MONDO:0009039, OMIM 218600.

Submission:

Labcorp Genetics (formerly Invitae), Labcorp
Classification: Uncertain significance for Baller-Gerold syndrome. Last evaluated: 2021-09-16. Review status: criteria provided, single submitter. Criteria: Invitae Variant Classification Sherloc (09022015). Collection method: clinical testing. Allele origin: germline.
Comment: In summary, the available evidence is currently insufficient to determine the role of this variant in disease. Therefore, it has been classified as a Variant of Uncertain Significance. Experimental studies and prediction algorithms are not available or were not evaluated, and the functional significance of this variant is currently unknown. This variant has not been reported in the literature in individuals affected with RECQL4-related conditions. This variant is not present in population databases (ExAC no frequency). This sequence change replaces arginine with glycine at codon 1162 of the RECQL4 protein (p.Arg1162Gly). The arginine residue is highly conserved and there is a moderate physicochemical difference between arginine and glycine.